The following is an entry in ClinVar:

ClinVar aggregate classification (germline): Uncertain significance (1 of 4 stars; one submission).

Conditions:
Mitochondrial complex II deficiency, nuclear type 1. Also called: SUCCINATE CoQ REDUCTASE DEFICIENCY. Identifiers: Orphanet 3208, MedGen C5700310, MONDO:0100294, OMIM 252011.
Pheochromocytoma/paraganglioma syndrome 5. Also called: Paragangliomas 5; SDHA-Related Hereditary Paraganglioma-Pheochromocytoma Syndrome. Identifiers: Orphanet 29072, MedGen C3279992, MONDO:0013602, OMIM 614165.

Submission:

Labcorp Genetics (formerly Invitae), Labcorp
Classification: Uncertain significance for Pheochromocytoma/paraganglioma syndrome 5; Mitochondrial complex II deficiency, nuclear type 1. Last evaluated: 2022-04-15. Review status: criteria provided, single submitter. Criteria: Invitae Variant Classification Sherloc (09022015). Collection method: clinical testing. Allele origin: germline.
Comment: This variant is not present in population databases (gnomAD no frequency). In summary, the available evidence is currently insufficient to determine the role of this variant in disease. Therefore, it has been classified as a Variant of Uncertain Significance. Advanced modeling of protein sequence and biophysical properties (such as structural, functional, and spatial information, amino acid conservation, physicochemical variation, residue mobility, and thermodynamic stability) performed at Invitae indicates that this missense variant is not expected to disrupt SDHA protein function. This variant has not been reported in the literature in individuals affected with SDHA-related conditions. This sequence change replaces lysine, which is basic and polar, with threonine, which is neutral and polar, at codon 498 of the SDHA protein (p.Lys498Thr).

NM_004168.4(SDHA):c.1493A>C (p.Lys498Thr)

Gene: SDHA (succinate dehydrogenase complex flavoprotein subunit A; plus strand). Cytogenetic location: 5p15.33.
Variant type: single nucleotide variant.
Coding change: c.1493A>C on transcript NM_004168.4 (MANE Select); coding-DNA position 1493, A replaced by C.
Protein change: p.Lys498Thr; replaces lysine 498 with threonine.
Molecular consequence: missense variant.
Genome position (GRCh38, 1-based): chr5:240,418, A>C. VCF-style: chr5-240418-A-C. GRCh37 (hg19) VCF-style: chr5-240533-A-C.
Other names: c.1349A>C, p.Lys450Thr (NM_001294332.2); c.1493A>C, p.Lys498Thr (NM_001330758.2); short protein forms K498T, K450T.
Identifiers: ClinVar variation 2126210 (VCV002126210.4), dbSNP rs745592653, ClinGen allele CA359014287.
Genomic context (GRCh38, chr5:240,418, plus strand): 5'-GAGATAAAGTCCCTCCAATTAAACCAAACGCTGGGGAAGAATCTGTCATGAATCTTGACA[A>C]ATTGAGATTTGCTGATGGAAGCATAAGAACATCGGAACTGCGACTCAGCATGCAGAAGGT-3'
Protein context (NP_004159.2, residues 488-508): AGEESVMNLD[Lys498Thr]LRFADGSIRT